The following is an entry in ClinVar:

ClinVar aggregate classification (germline): Likely benign. Review status: criteria provided, single submitter (1 of 4 stars). 2 submissions from 2 submitters: Likely benign (1). 1 of the submissions does not count toward it. Last evaluated 2018-06-27.

Conditions:
KLF4-related disorder. Also called: KLF4-related condition.

Allele frequency attached by ClinVar (database versions not stated): gnomAD exomes 0.00009 and 0.00025; ExAC 0.00039; ESP Exome Variant Server 0.00085; gnomAD 0.00129 and 0.00135; TOPMed 0.00132; 1000 Genomes Project 30x 0.00141; 1000 Genomes Project 0.00160.

Submissions (2):

Labcorp Genetics (formerly Invitae), Labcorp
Classification: Likely benign. Last evaluated: 2018-06-27. Review status: criteria provided, single submitter. Criteria: Invitae Variant Classification Sherloc (09022015). Collection method: clinical testing. Allele origin: germline.

PreventionGenetics, part of Exact Sciences
Classification: Likely benign for KLF4-related condition. Last evaluated: 2023-12-26. Review status: no assertion criteria provided. Collection method: clinical testing. Allele origin: germline. Not counted in ClinVar's aggregate classification.
Comment: This variant is classified as likely benign based on ACMG/AMP sequence variant interpretation guidelines (Richards et al. 2015 PMID: 25741868, with internal and published modifications).

NM_004235.6(KLF4):c.122A>G (p.Asn41Ser)

Gene: KLF4 (KLF transcription factor 4; minus strand). Cytogenetic location: 9q31.2.
Variant type: single nucleotide variant.
Coding change: c.122A>G on transcript NM_004235.6 (MANE Select); coding-DNA position 122, A replaced by G.
Protein change: p.Asn41Ser; replaces asparagine 41 with serine.
Molecular consequence: missense variant.
Genome position (GRCh38, 1-based): chr9:107,488,934, T>C on the plus strand (A>G on the coding strand, the complement: KLF4 is on the minus strand). VCF-style: chr9-107488934-T-C. GRCh37 (hg19) VCF-style: chr9-110251215-T-C.
Other names: c.122A>G, p.Asn41Ser (NM_001314052.2); c.122A>G (NM_001314052.1); short protein forms N41S.
Identifiers: ClinVar variation 725601 (VCV000725601.5), dbSNP rs147307674, ClinGen allele CA5173384.